The following is an entry in ClinVar:

NM_001966.4(EHHADH):c.855C>T (p.Ser285=)

Gene: EHHADH (enoyl-CoA hydratase and 3-hydroxyacyl CoA dehydrogenase; minus strand). Cytogenetic location: 3q27.2.
Variant type: single nucleotide variant.
Coding change: c.855C>T on transcript NM_001966.4 (MANE Select); coding-DNA position 855, C replaced by T.
Protein change: p.Ser285=; no amino-acid change (serine 285 retained).
Molecular consequence: synonymous variant.
Genome position (GRCh38, 1-based): chr3:185,204,471, G>A on the plus strand (C>T on the coding strand, the complement: EHHADH is on the minus strand). VCF-style: chr3-185204471-G-A. GRCh37 (hg19) VCF-style: chr3-184922259-G-A.
Other names: c.567C>T, p.Ser189= (NM_001166415.2).
Identifiers: ClinVar variation 594275 (VCV000594275.15), dbSNP rs752275123, ClinGen allele CA2739112.
Genomic context (GRCh38, chr3:185,204,471, plus strand): 5'-CTTACCAACAACACCAACTGAGGAGACAGGCCGCGCTGATGCTGTTTTCCACGATGCTCC[G>A]GAGGGAGTTGACCACTTATTTGCTTTCCTTTCAGCGAAGAAAGCATATTGCAGGGCTCTA-3'
Protein context (NP_001957.2, residues 275-295): ERKANKWSTP[Ser285=]GASWKTASAR

ClinVar aggregate classification (germline): Conflicting classifications of pathogenicity. Review status: criteria provided, conflicting classifications (1 of 4 stars). 4 submissions from 4 submitters: Uncertain significance (1); Likely benign (3). Last evaluated 2026-01-02.

Conditions:
EHHADH-related disorder. Also called: EHHADH-related condition.

Allele frequency attached by ClinVar (database versions not stated): gnomAD 0.00005; gnomAD exomes 0.00005 and 0.00006; TOPMed 0.00006; ExAC 0.00007.
gnomAD v4.1: 81 of 1,613,806 alleles (0.005%); highest among the groups gnomAD compares: African/African-American, 0.017%; no homozygotes.

Submissions (4):

PreventionGenetics, part of Exact Sciences
Classification: Likely benign for EHHADH-related condition. Last evaluated: 2026-01-02. Review status: criteria provided, single submitter. Criteria: ACMG Guidelines, 2015. Collection method: clinical testing. Allele origin: germline.
Comment: This variant is classified as likely benign based on ACMG/AMP sequence variant interpretation guidelines (Richards et al. 2015 PMID: 25741868, with internal and published modifications).

CeGaT Center for Human Genetics Tuebingen
Classification: Likely benign. Last evaluated: 2026-01-01. Review status: criteria provided, single submitter. Criteria: CeGaT Center For Human Genetics Tuebingen Variant Classification Criteria Version 2. Collection method: clinical testing. Allele origin: germline. Affected: yes. Observed: 1 variant allele.
Comment: EHHADH: BP4, BP7

Labcorp Genetics (formerly Invitae), Labcorp
Classification: Likely benign. Last evaluated: 2019-12-31. Review status: criteria provided, single submitter. Criteria: Invitae Variant Classification Sherloc (09022015). Collection method: clinical testing. Allele origin: germline.

Eurofins Ntd Llc (ga)
Classification: Uncertain significance. Last evaluated: 2017-10-12. Review status: criteria provided, single submitter. Criteria: EGL Classification Definitions 2015. Collection method: clinical testing. Allele origin: germline. Observed: 1 variant allele, 1 heterozygote.